The following is an entry in ClinVar:

ClinVar aggregate classification (germline): Benign. Review status: criteria provided, multiple submitters, no conflicts (2 of 4 stars). 2 submissions from 2 submitters: Benign (2). Last evaluated 2026-01-28.

Conditions:
Progressive pseudorheumatoid dysplasia (PPRD). Also called: SPONDYLOEPIPHYSEAL DYSPLASIA TARDA WITH PROGRESSIVE ARTHROPATHY; Progressive Pseudorheumatoid Arthropathy of Childhood. Identifiers: Orphanet 1159, MedGen C0432215, MONDO:0008827, OMIM 208230. Disease mechanism: loss of function.

Allele frequency attached by ClinVar (database versions not stated): gnomAD exomes 0.00081 and 0.00203; ExAC 0.00260; 1000 Genomes Project 0.00699; 1000 Genomes Project 30x 0.00750; gnomAD 0.00796 and 0.00843; TOPMed 0.00856; ESP Exome Variant Server 0.01123.
gnomAD v4.1: 2,442 of 1,613,954 alleles (0.15%); highest among the groups gnomAD compares: African/African-American, 2.8%; 40 homozygotes.

Submissions (2):

Labcorp Genetics (formerly Invitae), Labcorp
Classification: Benign. Last evaluated: 2026-01-28. Review status: criteria provided, single submitter. Criteria: Invitae Variant Classification Sherloc (09022015). Collection method: clinical testing. Allele origin: germline.

Illumina Laboratory Services, Illumina
Classification: Benign for Progressive pseudorheumatoid dysplasia. Last evaluated: 2018-01-13. Review status: criteria provided, single submitter. Criteria: ICSL Variant Classification Criteria 13 December 2019. Collection method: clinical testing. Allele origin: germline.
Comment: This variant was observed in the ICSL laboratory as part of a predisposition screen in an ostensibly healthy population. It had not been previously curated by ICSL or reported in the Human Gene Mutation Database (HGMD: prior to June 1st, 2018), and was therefore a candidate for classification through an automated scoring system. Utilizing variant allele frequency, disease prevalence and penetrance estimates, and inheritance mode, an automated score was calculated to assess if this variant is too frequent to cause the disease. Based on the score and internal cut-off values, a variant classified as benign is not then subjected to further curation. The score for this variant resulted in a classification of benign for this disease.

NM_198239.2(CCN6):c.366C>T (p.Cys122=)

Gene: CCN6 (cellular communication network factor 6; plus strand). Cytogenetic location: 6q21.
Variant type: single nucleotide variant.
Coding change: c.366C>T on transcript NM_198239.2 (MANE Select); coding-DNA position 366, C replaced by T.
Protein change: p.Cys122=; no amino-acid change (cysteine 122 retained).
Molecular consequence: synonymous variant. On other transcripts: non-coding transcript variant (2).
Genome position (GRCh38, 1-based): chr6:112,064,774, C>T. VCF-style: chr6-112064774-C-T. GRCh37 (hg19) VCF-style: chr6-112385977-C-T.
Other names: c.366C>T, p.Cys122= (NM_003880.4).
Identifiers: ClinVar variation 776146 (VCV000776146.14), dbSNP rs112686348, ClinGen allele CA3963991.